The following is an entry in ClinVar:

ClinVar aggregate classification (germline): Uncertain significance (1 of 4 stars; one submission).

Conditions:
Emery-Dreifuss muscular dystrophy (EDMD). Also called: Scapuloperoneal syndrome, X-linked (formerly); Humeroperoneal neuromuscular disease, (formerly). Identifiers: Orphanet 261, MedGen C0410189, MONDO:0016830.

Allele frequency attached by ClinVar (database versions not stated): TOPMed 0.00012; gnomAD 0.00013 and 0.00015; ESP Exome Variant Server 0.00015.
gnomAD v4.1: 27 of 1,613,702 alleles (0.0017%); highest among the groups gnomAD compares: African/African-American, 0.028%; no homozygotes.

Submission:

Labcorp Genetics (formerly Invitae), Labcorp
Classification: Uncertain significance for Emery-Dreifuss muscular dystrophy. Last evaluated: 2022-07-12. Review status: criteria provided, single submitter. Criteria: Invitae Variant Classification Sherloc (09022015). Collection method: clinical testing. Allele origin: germline.
Comment: Variants that disrupt the consensus splice site are a relatively common cause of aberrant splicing (PMID: 17576681, 9536098). Algorithms developed to predict the effect of sequence changes on RNA splicing suggest that this variant is not likely to affect RNA splicing. ClinVar contains an entry for this variant (Variation ID: 1491252). This variant has not been reported in the literature in individuals affected with SUN2-related conditions. This variant is present in population databases (rs372381106, gnomAD 0.02%). This sequence change falls in intron 17 of the SUN2 gene. It does not directly change the encoded amino acid sequence of the SUN2 protein. It affects a nucleotide within the consensus splice site. In summary, the available evidence is currently insufficient to determine the role of this variant in disease. Therefore, it has been classified as a Variant of Uncertain Significance.

Literature cited by the submitters: PubMed 17576681; PubMed 9536098.

NM_015374.3(SUN2):c.2040+4C>T

Genes: GTPBP1 (GTP binding protein 1; plus strand), SUN2 (Sad1 and UNC84 domain containing 2; minus strand). Cytogenetic location: 22q13.1.
Variant type: single nucleotide variant.
Coding change: c.2040+4C>T on transcript NM_015374.3 (MANE Select); 4 bases into the intron after coding-DNA position 2040, C replaced by T.
Molecular consequence: intron variant. On other transcripts: missense variant (1).
Genome position (GRCh38, 1-based): chr22:38,738,169, G>A on the plus strand (C>T on the coding strand, the complement: SUN2 is on the minus strand). VCF-style: chr22-38738169-G-A. GRCh37 (hg19) VCF-style: chr22-39134174-G-A.
Other names: c.2044C>T, p.Arg682Trp (NM_001394431.1); c.1548+4C>T (NM_001394443.1); c.1950+4C>T (NM_001394438.1); c.1902+4C>T (NM_001394439.1, NM_001394441.1, NM_001394440.1); c.1464+4C>T (NM_001394444.1, NM_001394445.1); c.1641+4C>T (NM_001394442.1); c.2037+4C>T (NM_001394437.1, NM_001394436.1); c.2133+4C>T (NM_001394427.1); and 3 more; short protein forms R682W.
Identifiers: ClinVar variation 1491252 (VCV001491252.6), dbSNP rs372381106, ClinGen allele CA10235352.